The following is an entry in ClinVar:

ClinVar aggregate classification (germline): Uncertain significance (1 of 4 stars; one submission).

Conditions:
Emery-Dreifuss muscular dystrophy 5, autosomal dominant (EDMD5). Also called: EMERY-DREIFUSS MUSCULAR DYSTROPHY 5. Identifiers: Orphanet 261, MedGen C2751805, MONDO:0013072, OMIM 612999.

Submission:

Labcorp Genetics (formerly Invitae), Labcorp
Classification: Uncertain significance for Emery-Dreifuss muscular dystrophy 5, autosomal dominant. Last evaluated: 2022-06-27. Review status: criteria provided, single submitter. Criteria: Invitae Variant Classification Sherloc (09022015). Collection method: clinical testing. Allele origin: germline.
Comment: In summary, the available evidence is currently insufficient to determine the role of this variant in disease. Therefore, it has been classified as a Variant of Uncertain Significance. Algorithms developed to predict the effect of sequence changes on RNA splicing suggest that this variant may disrupt the consensus splice site. This variant has not been reported in the literature in individuals affected with SYNE2-related conditions. This variant is not present in population databases (gnomAD no frequency). This sequence change affects a donor splice site in intron 113 of the SYNE2 gene. It is expected to disrupt RNA splicing. Variants that disrupt the donor or acceptor splice site typically lead to a loss of protein function (PMID: 16199547), however the current clinical and genetic evidence is not sufficient to establish whether loss-of-function variants in SYNE2 cause disease.

Literature cited by the submitters: PubMed 16199547.

NM_182914.3(SYNE2):c.20382+1G>A

Gene: SYNE2 (spectrin repeat containing nuclear envelope protein 2; plus strand). Cytogenetic location: 14q23.2.
Variant type: single nucleotide variant.
Coding change: c.20382+1G>A on transcript NM_182914.3 (MANE Select); the canonical splice donor site of the intron after coding-DNA position 20382, G replaced by A.
Molecular consequence: splice donor variant.
Genome position (GRCh38, 1-based): chr14:64,223,381, G>A. VCF-style: chr14-64223381-G-A. GRCh37 (hg19) VCF-style: chr14-64690099-G-A.
Other names: c.20313+1G>A (NM_015180.6); c.1326+1G>A (NM_182913.4); c.948+1G>A (NM_182910.2).
Identifiers: ClinVar variation 1462088 (VCV001462088.8), dbSNP rs113757671, ClinGen allele CA261834980.